The following is an entry in ClinVar:

NM_000093.5(COL5A1):c.5137-7C>G

Genes: COL5A1 (collagen type V alpha 1 chain; plus strand), LOC101448202 (uncharacterized LOC101448202; minus strand). Cytogenetic location: 9q34.3.
Variant type: single nucleotide variant.
Coding change: c.5137-7C>G on transcript NM_000093.5 (MANE Select); 7 bases into the intron before coding-DNA position 5137, C replaced by G.
Molecular consequence: intron variant.
Genome position (GRCh38, 1-based): chr9:134,834,964, C>G. VCF-style: chr9-134834964-C-G. GRCh37 (hg19) VCF-style: chr9-137726810-C-G.
Other names: c.5137-7C>G (NM_001278074.1).
Identifiers: ClinVar variation 681761 (VCV000681761.1), dbSNP rs376750863, ClinGen allele CA915947345.

ClinVar aggregate classification (germline): Likely benign (1 of 4 stars; one submission).

Submission:

GeneDx
Classification: Likely benign. Last evaluated: 2018-04-12. Review status: criteria provided, single submitter. Criteria: GeneDx Variant Classification (06012015). Collection method: clinical testing. Allele origin: germline. Affected: yes.
Comment: This variant is considered likely benign or benign based on one or more of the following criteria: it is a conservative change, it occurs at a poorly conserved position in the protein, it is predicted to be benign by multiple in silico algorithms, and/or has population frequency not consistent with disease.